The following is an entry in ClinVar:

NM_020738.4(KIDINS220):c.2013A>G (p.Ile671Met)

Gene: KIDINS220 (kinase D interacting substrate 220; minus strand). Cytogenetic location: 2p25.1.
Variant type: single nucleotide variant.
Coding change: c.2013A>G on transcript NM_020738.4 (MANE Select); coding-DNA position 2013, A replaced by G.
Protein change: p.Ile671Met; replaces isoleucine 671 with methionine.
Molecular consequence: missense variant. On other transcripts: non-coding transcript variant (2).
Genome position (GRCh38, 1-based): chr2:8,785,957, T>C on the plus strand (A>G on the coding strand, the complement: KIDINS220 is on the minus strand). VCF-style: chr2-8785957-T-C. GRCh37 (hg19) VCF-style: chr2-8926087-T-C.
Other names: c.2016A>G, p.Ile672Met (NM_001348729.2, NM_001348731.2, NM_001348734.2 and 3 more transcripts); c.2013A>G, p.Ile671Met (NM_001348732.2, NM_001348735.2, NM_001348738.2 and 3 more transcripts); c.1887A>G, p.Ile629Met (NM_001348736.2); c.2013A>G (NM_020738.2); short protein forms I629M, I671M, I672M.
Identifiers: ClinVar variation 1380968 (VCV001380968.9), dbSNP rs1027937916, ClinGen allele CA42335571.

ClinVar aggregate classification (germline): Uncertain significance. Review status: criteria provided, multiple submitters, no conflicts (2 of 4 stars). 2 submissions from 2 submitters: Uncertain significance (2). Last evaluated 2024-04-06.

Conditions:
Inborn genetic diseases. Identifiers: MedGen C0950123, MeSH D030342.

Allele frequency attached by ClinVar (database versions not stated): gnomAD exomes below 0.00001; gnomAD 0.00001; TOPMed 0.00001.
gnomAD v4.1: 2 of 1,613,524 alleles (0.00012%); highest among the groups gnomAD compares: Admixed American, 0.0017%; no homozygotes.

Submissions (2):

Ambry Genetics
Classification: Uncertain significance for Inborn genetic diseases. Last evaluated: 2024-04-06. Review status: criteria provided, single submitter. Criteria: Ambry Variant Classification Scheme 2023. Collection method: clinical testing. Allele origin: germline.

Labcorp Genetics (formerly Invitae), Labcorp
Classification: Uncertain significance. Last evaluated: 2020-10-19. Review status: criteria provided, single submitter. Criteria: Invitae Variant Classification Sherloc (09022015). Collection method: clinical testing. Allele origin: germline.
Comment: In summary, the available evidence is currently insufficient to determine the role of this variant in disease. Therefore, it has been classified as a Variant of Uncertain Significance. Algorithms developed to predict the effect of missense changes on protein structure and function are either unavailable or do not agree on the potential impact of this missense change (SIFT: "Deleterious"; PolyPhen-2: "Possibly Damaging"; Align-GVGD: "Class C0"). This variant has not been reported in the literature in individuals with KIDINS220-related conditions. This variant is not present in population databases (ExAC no frequency). This sequence change replaces isoleucine with methionine at codon 671 of the KIDINS220 protein (p.Ile671Met). The isoleucine residue is moderately conserved and there is a small physicochemical difference between isoleucine and methionine.